The following is an entry in ClinVar:

ClinVar aggregate classification (germline): Uncertain significance (1 of 4 stars; one submission).

Submission:

Ambry Genetics
Classification: Uncertain significance. Last evaluated: 2025-05-15. Review status: criteria provided, single submitter. Criteria: Ambry Variant Classification Scheme 2023. Collection method: clinical testing. Allele origin: germline.
Comment: The p.L1310P variant (also known as c.3929T>C), located in coding exon 35 of the IKBKAP gene, results from a T to C substitution at nucleotide position 3929. The leucine at codon 1310 is replaced by proline, an amino acid with similar properties. This amino acid position is conserved. In addition, this alteration is predicted to be tolerated by in silico analysis. Based on the available evidence, the clinical significance of this variant remains unclear.

NM_003640.5(ELP1):c.3929T>C (p.Leu1310Pro)

Gene: ELP1 (elongator acetyltransferase complex subunit 1; minus strand). Cytogenetic location: 9q31.3.
Variant type: single nucleotide variant.
Coding change: c.3929T>C on transcript NM_003640.5 (MANE Select); coding-DNA position 3929, T replaced by C.
Protein change: p.Leu1310Pro; replaces leucine 1310 with proline.
Molecular consequence: missense variant.
Genome position (GRCh38, 1-based): chr9:108,874,897, A>G on the plus strand (T>C on the coding strand, the complement: ELP1 is on the minus strand). VCF-style: chr9-108874897-A-G. GRCh37 (hg19) VCF-style: chr9-111637177-A-G.
Other names: c.3587T>C, p.Leu1196Pro (NM_001318360.2); c.2882T>C, p.Leu961Pro (NM_001330749.2); short protein forms L961P, L1196P, L1310P.
Identifiers: ClinVar variation 4017660 (VCV004017660.1).
Genomic context (GRCh38, chr9:108,874,897, plus strand): 5'-TACAGAAAGATAGTCCTTCTGCTTAGTATTGTAATATTAAATGAGAAAAAATACTAACCA[A>G]GAACAGGAACCGAAGTCTTCTGTTGCTGATAAGATGCCATGATACTATTTGCAGTAGAAT-3'
Protein context (NP_003631.2, residues 1300-1320): YQQQKTSVPV[Leu1310Pro]DAELFIPPKI